The following is an entry in ClinVar:

ClinVar aggregate classification (germline): Uncertain significance. Review status: criteria provided, multiple submitters, no conflicts (2 of 4 stars). 4 submissions from 4 submitters: Uncertain significance (4). Last evaluated 2025-10-23.

Conditions:
Congenital contractural arachnodactyly (CCA). Also called: BEALS SYNDROME; Arthrogryposis, distal, type 9; Beals-Hecht syndrome. Identifiers: Orphanet 115, MedGen C0220668, MONDO:0007363, OMIM 121050.
Familial thoracic aortic aneurysm and aortic dissection (TAAD). Also called: Thoracic aortic aneurysms and dissections. Identifiers: Orphanet 91387, MedGen C4707243, MONDO:0019625.

gnomAD v4.1: 4 of 1,613,876 alleles (0.00025%); highest among the groups gnomAD compares: Non-Finnish European, 0.00034%; no homozygotes.

Submissions (4):

Labcorp Genetics (formerly Invitae), Labcorp
Classification: Uncertain significance for Congenital contractural arachnodactyly. Last evaluated: 2025-10-23. Review status: criteria provided, single submitter. Criteria: Invitae Variant Classification Sherloc (09022015). Collection method: clinical testing. Allele origin: germline.
Comment: This sequence change replaces arginine, which is basic and polar, with leucine, which is neutral and non-polar, at codon 1164 of the FBN2 protein (p.Arg1164Leu). This variant is present in population databases (no rsID available, gnomAD 0.007%). This missense change has been observed in individual(s) with clinical features of FBN2-related conditions (internal data). ClinVar contains an entry for this variant (Variation ID: 2914857). Invitae Evidence Modeling of protein sequence and biophysical properties (such as structural, functional, and spatial information, amino acid conservation, physicochemical variation, residue mobility, and thermodynamic stability) indicates that this missense variant is not expected to disrupt FBN2 protein function with a negative predictive value of 80%. Algorithms developed to predict the effect of sequence changes on RNA splicing suggest that this variant may disrupt the consensus splice site. In summary, the available evidence is currently insufficient to determine the role of this variant in disease. Therefore, it has been classified as a Variant of Uncertain Significance.

Ambry Genetics
Classification: Uncertain significance for Familial thoracic aortic aneurysm and aortic dissection. Last evaluated: 2025-04-23. Review status: criteria provided, single submitter. Criteria: Ambry Variant Classification Scheme 2023. Collection method: clinical testing. Allele origin: germline.
Comment: The p.R1164L variant (also known as c.3491G>T), located in coding exon 27 of the FBN2 gene, results from a G to T substitution at nucleotide position 3491. The arginine at codon 1164 is replaced by leucine, an amino acid with dissimilar properties. This amino acid position is well conserved in available vertebrate species. In addition, this alteration is predicted to be deleterious by in silico analysis. Based on the available evidence, the clinical significance of this variant remains unclear.

GeneDx
Classification: Uncertain significance. Last evaluated: 2025-04-17. Review status: criteria provided, single submitter. Criteria: GeneDx Variant Classification Process June 2021. Collection method: clinical testing. Allele origin: germline. Affected: yes.
Comment: Not observed at significant frequency in large population cohorts (gnomAD); In silico analysis supports that this missense variant has a deleterious effect on protein structure/function; Has not been previously published as pathogenic or benign to our knowledge; In silico analysis is inconclusive as to whether the variant alters gene splicing. In the absence of RNA/functional studies, the actual effect of this sequence change is unknown.; This variant is associated with the following publications: (PMID: 19006240, 18767143)

ARUP Laboratories, Molecular Genetics and Genomics, ARUP Laboratories
Classification: Uncertain significance. Last evaluated: 2024-10-22. Review status: criteria provided, single submitter. Criteria: ARUP Molecular Germline Variant Investigation Process 2024. Collection method: clinical testing. Allele origin: germline.
Comment: The FBN2 c.3491G>T; p.Arg1164Leu variant (rs1297011367), to our knowledge, is not reported in the medical literature but is reported in ClinVar (Variation ID: 2914857). This variant is only observed on one allele in the Genome Aggregation Database (v2.1.1), indicating it is not a common polymorphism. Computational analyses are uncertain whether this variant is neutral or deleterious (REVEL: 0.676). Due to limited information, the clinical significance of this variant is uncertain at this time.

NM_001999.4(FBN2):c.3491G>T (p.Arg1164Leu)

Gene: FBN2 (fibrillin 2; minus strand). Cytogenetic location: 5q23.3.
Variant type: single nucleotide variant.
Coding change: c.3491G>T on transcript NM_001999.4 (MANE Select); coding-DNA position 3491, G replaced by T.
Protein change: p.Arg1164Leu; replaces arginine 1164 with leucine.
Molecular consequence: missense variant.
Genome position (GRCh38, 1-based): chr5:128,338,104, C>A on the plus strand (G>T on the coding strand, the complement: FBN2 is on the minus strand). VCF-style: chr5-128338104-C-A. GRCh37 (hg19) VCF-style: chr5-127673796-C-A.
Other names: c.3491G>T (NM_001999.3); short protein forms R1164L.
Identifiers: ClinVar variation 2914857 (VCV002914857.6), dbSNP rs1297011367, ClinGen allele CA360759536.